The following is an entry in ClinVar:

NM_003332.4(TYROBP):c.309C>T (p.Ser103=)

Gene: TYROBP (transmembrane immune signaling adaptor TYROBP; minus strand). Cytogenetic location: 19q13.12.
Variant type: single nucleotide variant.
Coding change: c.309C>T on transcript NM_003332.4 (MANE Select); coding-DNA position 309, C replaced by T.
Protein change: p.Ser103=; no amino-acid change (serine 103 retained).
Molecular consequence: synonymous variant. On other transcripts: non-coding transcript variant (1).
Genome position (GRCh38, 1-based): chr19:35,904,602, G>A on the plus strand (C>T on the coding strand, the complement: TYROBP is on the minus strand). VCF-style: chr19-35904602-G-A. GRCh37 (hg19) VCF-style: chr19-36395504-G-A.
Other names: c.276C>T, p.Ser92= (NM_001173514.2); c.273C>T, p.Ser91= (NM_001173515.2); c.306C>T, p.Ser102= (NM_198125.3).
Identifiers: ClinVar variation 4822276 (VCV004822276.4).

ClinVar aggregate classification (germline): Likely benign (1 of 4 stars; one submission).

gnomAD v4.1: 11 of 1,613,380 alleles (0.00068%); highest among the groups gnomAD compares: East Asian, 0.0067%; no homozygotes.

Submission:

CeGaT Center for Human Genetics Tuebingen
Classification: Likely benign. Last evaluated: 2026-04-01. Review status: criteria provided, single submitter. Criteria: CeGaT Center For Human Genetics Tuebingen Variant Classification Criteria Version 2. Collection method: clinical testing. Allele origin: germline. Affected: yes. Observed: 2 variant alleles.
Comment: TYROBP: BP4, BP7